The following is an entry in ClinVar:

NM_004239.4(TRIP11):c.111G>A (p.Met37Ile)

Gene: TRIP11 (thyroid hormone receptor interactor 11; minus strand). Cytogenetic location: 14q32.12.
Variant type: single nucleotide variant.
Coding change: c.111G>A on transcript NM_004239.4 (MANE Select); coding-DNA position 111, G replaced by A.
Protein change: p.Met37Ile; replaces methionine 37 with isoleucine.
Molecular consequence: missense variant.
Genome position (GRCh38, 1-based): chr14:92,039,575, C>T on the plus strand (G>A on the coding strand, the complement: TRIP11 is on the minus strand). VCF-style: chr14-92039575-C-T. GRCh37 (hg19) VCF-style: chr14-92505919-C-T.
Other names: c.111G>A, p.Met37Ile (NM_001321851.1); short protein forms M37I.
Identifiers: ClinVar variation 993801 (VCV000993801.8), dbSNP rs902936427, ClinGen allele CA265641926.

ClinVar aggregate classification (germline): Uncertain significance (1 of 4 stars; one submission).

Allele frequency attached by ClinVar (database versions not stated): gnomAD exomes below 0.00001; gnomAD 0.00001.

Submission:

ARUP Laboratories, Molecular Genetics and Genomics, ARUP Laboratories
Classification: Uncertain significance. Last evaluated: 2019-11-13. Review status: criteria provided, single submitter. Criteria: ARUP Molecular Germline Variant Investigation Process. Collection method: clinical testing. Allele origin: germline.
Comment: The TRIP11 c.111G>A; p.Met37Ile variant (rs902936427), to our knowledge, is not reported in the medical literature or gene specific databases. This variant is only observed on one allele in the Genome Aggregation Database, indicating it is not a common polymorphism. The methionine at codon 37 is moderately conserved, and computational analyses (SIFT, PolyPhen-2) predict that this variant is tolerated. Due to limited information, the clinical significance of the p.Met37Ile variant is uncertain at this time.